The following is an entry in ClinVar:

NM_000548.5(TSC2):c.1373G>C (p.Arg458Pro)

Gene: TSC2 (TSC complex subunit 2; plus strand). Cytogenetic location: 16p13.3.
Variant type: single nucleotide variant.
Coding change: c.1373G>C on transcript NM_000548.5 (MANE Select); coding-DNA position 1373, G replaced by C.
Protein change: p.Arg458Pro; replaces arginine 458 with proline.
Molecular consequence: missense variant. On other transcripts: non-coding transcript variant (5), intron variant (1).
Genome position (GRCh38, 1-based): chr16:2,062,983, G>C. VCF-style: chr16-2062983-G-C. GRCh37 (hg19) VCF-style: chr16-2112984-G-C.
Other names: c.1262G>C, p.Arg421Pro (NM_001318827.2, NM_001406670.1, NM_001406678.1); c.1226G>C, p.Arg409Pro (NM_001318829.2, NM_001406679.1, NM_001406675.1 and 1 more transcripts); c.773G>C, p.Arg258Pro (NM_001318831.2, NM_001406680.1, NM_001406682.1 and 6 more transcripts); c.1406G>C, p.Arg469Pro (NM_001318832.2); c.1373G>C, p.Arg458Pro (NM_001363528.2, NM_001370404.1, NM_001370405.1 and 6 more transcripts); c.911G>C, p.Arg304Pro (NM_001406681.1); c.1463G>C, p.Arg488Pro (NM_001406667.1, NM_001406668.1); c.1361G>C, p.Arg454Pro (NM_001406671.1, NM_001406673.1); and 3 more; short protein forms R10P, R258P, R304P, R409P, R421P, R439P, R454P, R458P.
Identifiers: ClinVar variation 3232077 (VCV003232077.3), dbSNP rs878854077, ClinGen allele CA394323638.
Genomic context (GRCh38, chr16:2,062,983, plus strand): 5'-GCTGTGGCCGGGCACTCCCCACCCGCCCCAGCAGGCTGCCGTCCCGCAGGAGCGAGTCCC[G>C]AGGCGCCGTGCGCATCAAGGTGCTGGACGTGCTGTCCTTTGTGCTGCTCATCAACAGGCA-3'
Protein context (NP_000539.2, residues 448-468): LMERFFRSES[Arg458Pro]GAVRIKVLDV

ClinVar aggregate classification (germline): Uncertain significance. Review status: criteria provided, multiple submitters, no conflicts (2 of 4 stars). 3 submissions from 3 submitters: Uncertain significance (3). Last evaluated 2025-11-05.

Conditions:
Hereditary cancer-predisposing syndrome. Also called: Hereditary Cancer Syndrome; Tumor predisposition; Neoplastic Syndromes, Hereditary; Hereditary neoplastic syndrome. Identifiers: Orphanet 140162, MedGen C0027672, MeSH D009386, MONDO:0015356.
Tuberous sclerosis 2 (TSC2). Identifiers: Orphanet 805, MedGen C1860707, MONDO:0013199, OMIM 613254.

gnomAD v4.1: 1 of 1,550,840 alleles (0.000064%); highest among the groups gnomAD compares: Non-Finnish European, 0.000087%; no homozygotes.

Submissions (3):

Labcorp Genetics (formerly Invitae), Labcorp
Classification: Uncertain significance for Tuberous sclerosis 2. Last evaluated: 2025-11-05. Review status: criteria provided, single submitter. Criteria: Invitae Variant Classification Sherloc (09022015). Collection method: clinical testing. Allele origin: germline.
Comment: This sequence change replaces arginine, which is basic and polar, with proline, which is neutral and non-polar, at codon 458 of the TSC2 protein (p.Arg458Pro). This variant is not present in population databases (gnomAD no frequency). This variant has not been reported in the literature in individuals affected with TSC2-related conditions. ClinVar contains an entry for this variant (Variation ID: 3232077). Invitae Evidence Modeling of protein sequence and biophysical properties (such as structural, functional, and spatial information, amino acid conservation, physicochemical variation, residue mobility, and thermodynamic stability) indicates that this missense variant is not expected to disrupt TSC2 protein function with a negative predictive value of 95%. In summary, the available evidence is currently insufficient to determine the role of this variant in disease. Therefore, it has been classified as a Variant of Uncertain Significance.

Ambry Genetics
Classification: Uncertain significance for Hereditary cancer-predisposing syndrome. Last evaluated: 2024-01-23. Review status: criteria provided, single submitter. Criteria: Ambry Variant Classification Scheme 2023. Collection method: clinical testing. Allele origin: germline.
Comment: The p.R458P variant (also known as c.1373G>C), located in coding exon 13 of the TSC2 gene, results from a G to C substitution at nucleotide position 1373. The arginine at codon 458 is replaced by proline, an amino acid with dissimilar properties. This amino acid position is conserved. In addition, this alteration is predicted to be deleterious by in silico analysis. Based on the available evidence, the clinical significance of this alteration remains unclear.

GeneDx
Classification: Uncertain significance. Last evaluated: 2023-12-13. Review status: criteria provided, single submitter. Criteria: GeneDx Variant Classification Process June 2021. Collection method: clinical testing. Allele origin: germline. Affected: yes.
Comment: Not observed at significant frequency in large population cohorts (gnomAD); In silico analysis supports that this missense variant has a deleterious effect on protein structure/function; Has not been previously published as pathogenic or benign to our knowledge